The following is an entry in ClinVar:

ClinVar aggregate classification (germline): Uncertain significance. Review status: criteria provided, single submitter (1 of 4 stars). 2 submissions from 2 submitters: Uncertain significance (1). 1 of the submissions does not count toward it. Last evaluated 2023-11-01.

Conditions:
Cardiovascular phenotype. Identifiers: MedGen CN230736.
Capillary malformation-arteriovenous malformation 2 (CMAVM2). Identifiers: Orphanet 693912, MedGen C4748670, MONDO:0020785, OMIM 618196.

Allele frequency attached by ClinVar (database versions not stated): TOPMed below 0.00001; gnomAD 0.00001; gnomAD exomes 0.00001.
gnomAD v4.1: 5 of 1,613,432 alleles (0.00031%); highest among the groups gnomAD compares: Middle Eastern, 0.033%; no homozygotes.

Submissions (2):

Ambry Genetics
Classification: Uncertain significance for Cardiovascular phenotype. Last evaluated: 2023-11-01. Review status: criteria provided, single submitter. Criteria: Ambry Variant Classification Scheme 2023. Collection method: clinical testing. Allele origin: germline.
Comment: The p.M94I variant (also known as c.282G>T), located in coding exon 3 of the EPHB4 gene, results from a G to T substitution at nucleotide position 282. The methionine at codon 94 is replaced by isoleucine, an amino acid with highly similar properties. This amino acid position is conserved. In addition, this alteration is predicted to be tolerated by in silico analysis. Since supporting evidence is limited at this time, the clinical significance of this alteration remains unclear.

Seattle Children's Hospital Molecular Genetics Laboratory, Seattle Children's Hospital
Classification: Uncertain significance for Capillary malformation-arteriovenous malformation 2. Review status: no assertion criteria provided. Collection method: clinical testing. Allele origin: germline. Affected: yes. Not counted in ClinVar's aggregate classification.

NM_004444.5(EPHB4):c.282G>T (p.Met94Ile)

Gene: EPHB4 (EPH receptor B4; minus strand). Cytogenetic location: 7q22.1.
Variant type: single nucleotide variant.
Coding change: c.282G>T on transcript NM_004444.5 (MANE Select); coding-DNA position 282, G replaced by T.
Protein change: p.Met94Ile; replaces methionine 94 with isoleucine.
Molecular consequence: missense variant.
Genome position (GRCh38, 1-based): chr7:100,823,773, C>A on the plus strand (G>T on the coding strand, the complement: EPHB4 is on the minus strand). VCF-style: chr7-100823773-C-A. GRCh37 (hg19) VCF-style: chr7-100421395-C-A.
Other names: short protein forms M94I.
Identifiers: ClinVar variation 2590365 (VCV002590365.3), dbSNP rs1584667090, ClinGen allele CA368583112.